The following is an entry in ClinVar:

NM_032043.3(BRIP1):c.1478A>G (p.His493Arg)

Gene: BRIP1 (BRCA1 interacting DNA helicase 1; minus strand). Cytogenetic location: 17q23.2.
Variant type: single nucleotide variant.
Coding change: c.1478A>G on transcript NM_032043.3 (MANE Select); coding-DNA position 1478, A replaced by G.
Protein change: p.His493Arg; replaces histidine 493 with arginine.
Molecular consequence: missense variant.
Genome position (GRCh38, 1-based): chr17:61,784,420, T>C on the plus strand (A>G on the coding strand, the complement: BRIP1 is on the minus strand). VCF-style: chr17-61784420-T-C. GRCh37 (hg19) VCF-style: chr17-59861781-T-C.
Other names: short protein forms H493R.
Identifiers: ClinVar variation 3228089 (VCV003228089.1), dbSNP rs1555603626, ClinGen allele CA400481769.

ClinVar aggregate classification (germline): Uncertain significance (1 of 4 stars; one submission).

Conditions:
Hereditary cancer-predisposing syndrome. Also called: Neoplastic Syndromes, Hereditary; Tumor predisposition; Hereditary neoplastic syndrome; Hereditary Cancer Syndrome. Identifiers: Orphanet 140162, MedGen C0027672, MeSH D009386, MONDO:0015356.

Submission:

Ambry Genetics
Classification: Uncertain significance for Hereditary cancer-predisposing syndrome. Last evaluated: 2024-01-30. Review status: criteria provided, single submitter. Criteria: Ambry Variant Classification Scheme 2023. Collection method: clinical testing. Allele origin: germline.
Comment: The p.H493R variant (also known as c.1478A>G), located in coding exon 10 of the BRIP1 gene, results from an A to G substitution at nucleotide position 1478. The histidine at codon 493 is replaced by arginine, an amino acid with highly similar properties. This amino acid position is conserved. In addition, the in silico prediction for this alteration is inconclusive. Based on the available evidence, the clinical significance of this alteration remains unclear.